The following is an entry in ClinVar:

ClinVar aggregate classification (germline): Uncertain significance (1 of 4 stars; one submission).

Conditions:
TRPM3-related disorder. Also called: TRPM3-related condition.

Submission:

PreventionGenetics, part of Exact Sciences
Classification: Uncertain significance for TRPM3-related condition. Last evaluated: 2023-03-30. Review status: criteria provided, single submitter. Criteria: ACMG Guidelines, 2015. Collection method: clinical testing. Allele origin: germline.
Comment: The TRPM3 c.253delC variant is predicted to result in a frameshift and premature protein termination (p.His85Ilefs*8). To our knowledge, this variant has not been reported in the literature or in a large population database, indicating this variant is rare. At this time, the clinical significance of this variant is uncertain due to the absence of conclusive functional and genetic evidence.

NM_001366145.2(TRPM3):c.253del (p.His85fs)

Gene: TRPM3 (transient receptor potential cation channel subfamily M member 3; minus strand). Cytogenetic location: 9q21.12.
Variant type: Deletion.
Coding change: c.253del on transcript NM_001366145.2 (MANE Select); coding-DNA position 253, one base deleted (C; older notation c.253delC).
Protein change: p.His85fs; shifts the reading frame from histidine 85.
Molecular consequence: frameshift variant. On other transcripts: 5 prime UTR variant (9).
Genome position (GRCh38, 1-based): chr9:70,864,436, G deleted on the plus strand (C on the coding strand, the reverse complement: TRPM3 is on the minus strand); the first of 5 consecutive G bases (chr9:70,864,436-70,864,440); deleting any one gives the same sequence. VCF-style (leftmost placement, unchanged base first): chr9-70864435-TG-T. GRCh37 (hg19) VCF-style: chr9-73479351-TG-T.
Other names: c.-207del (NM_001007470.3, NM_001366154.2, NM_020952.6 and 6 more transcripts); c.253del, p.His85fs (NM_001007471.4, NM_001366146.2, NM_001366147.2 and 6 more transcripts); c.259del, p.His87fs (NM_001366141.2, NM_001366142.2, NM_001366143.2 and 1 more transcripts); short protein forms H85fs, H87fs.
Identifiers: ClinVar variation 2636235 (VCV002636235.1), dbSNP rs2540422223, ClinGen allele CA2690252416.